The following is an entry in ClinVar:

ClinVar aggregate classification (germline): Pathogenic (1 of 4 stars; one submission).

Conditions:
Microcephaly 5, primary, autosomal recessive (MCPH5). Also called: ASPM Primary Microcephaly. Identifiers: Orphanet 2512, MedGen C1837501, MONDO:0012106, OMIM 608716.

Submission:

Broad Center for Mendelian Genomics, Broad Institute of MIT and Harvard
Classification: Pathogenic for Microcephaly 5, primary, autosomal recessive. Last evaluated: 2022-05-04. Review status: criteria provided, single submitter. Criteria: ACMG Guidelines, 2015. Collection method: curation. Allele origin: germline. Inheritance: Autosomal recessive inheritance.
Comment: The variant has not been previously reported in individuals with autosomal recessive primary microcephaly 5 and was absent from large population studies. This nonsense variant leads to a premature termination codon at position 3150, which is predicted to lead to a truncated or absent protein. Loss of function of the ASPM gene is an established disease mechanism in autosomal recessive primary microcephaly 5. In summary, this variant meets criteria to be classified as pathogenic for autosomal recessive primary microcephaly 5 based on the predicted impact of the variant, its absence from control populations, and its homozygous appearance in an affected individual. ACMG/AMP Criteria applied: PVS1, PM2, PM3_supporting (Richards 2015).

NM_018136.5(ASPM):c.9450G>A (p.Trp3150Ter)

Gene: ASPM (assembly factor for spindle microtubules; minus strand). Cytogenetic location: 1q31.3.
Variant type: single nucleotide variant.
Coding change: c.9450G>A on transcript NM_018136.5 (MANE Select); coding-DNA position 9450, G replaced by A.
Protein change: p.Trp3150Ter; replaces tryptophan 3150 with a stop codon.
Molecular consequence: nonsense.
Genome position (GRCh38, 1-based): chr1:197,091,036, C>T on the plus strand (G>A on the coding strand, the complement: ASPM is on the minus strand). VCF-style: chr1-197091036-C-T. GRCh37 (hg19) VCF-style: chr1-197060166-C-T.
Other names: NM_018136.5:c.9450G>A; c.4695G>A, p.Trp1565Ter (NM_001206846.2); short protein forms W1565*, W3150*.
Identifiers: ClinVar variation 1679840 (VCV001679840.1), dbSNP rs2125088498, ClinGen allele CA344003725.